The following is an entry in ClinVar:

ClinVar aggregate classification (germline): Uncertain significance (1 of 4 stars; one submission).

Allele frequency attached by ClinVar (database versions not stated): gnomAD exomes below 0.00001; TOPMed below 0.00001.
gnomAD v4.1: 1 of 1,613,848 alleles (0.000062%); highest among the groups gnomAD compares: Admixed American, 0.0017%; no homozygotes.

Submission:

Labcorp Genetics (formerly Invitae), Labcorp
Classification: Uncertain significance. Last evaluated: 2022-08-23. Review status: criteria provided, single submitter. Criteria: Invitae Variant Classification Sherloc (09022015). Collection method: clinical testing. Allele origin: germline.
Comment: In summary, the available evidence is currently insufficient to determine the role of this variant in disease. Therefore, it has been classified as a Variant of Uncertain Significance. Algorithms developed to predict the effect of missense changes on protein structure and function are either unavailable or do not agree on the potential impact of this missense change (SIFT: "Tolerated"; PolyPhen-2: "Probably Damaging"; Align-GVGD: "Class C0"). ClinVar contains an entry for this variant (Variation ID: 1348089). This variant has not been reported in the literature in individuals affected with KIAA1549-related conditions. This variant is present in population databases (no rsID available, gnomAD 0.003%). This sequence change replaces asparagine, which is neutral and polar, with aspartic acid, which is acidic and polar, at codon 1608 of the KIAA1549 protein (p.Asn1608Asp).

NM_001164665.2(KIAA1549):c.4822A>G (p.Asn1608Asp)

Gene: KIAA1549 (KIAA1549; minus strand). Cytogenetic location: 7q34.
Variant type: single nucleotide variant.
Coding change: c.4822A>G on transcript NM_001164665.2 (MANE Select); coding-DNA position 4822, A replaced by G.
Protein change: p.Asn1608Asp; replaces asparagine 1608 with aspartic acid.
Molecular consequence: missense variant.
Genome position (GRCh38, 1-based): chr7:138,868,082, T>C on the plus strand (A>G on the coding strand, the complement: KIAA1549 is on the minus strand). VCF-style: chr7-138868082-T-C. GRCh37 (hg19) VCF-style: chr7-138552828-T-C.
Other names: c.4822A>G, p.Asn1608Asp (NM_020910.3); short protein forms N1608D.
Identifiers: ClinVar variation 1348089 (VCV001348089.6), dbSNP rs1158842038, ClinGen allele CA369397815.